The following is an entry in ClinVar:

NM_000548.5(TSC2):c.1507C>A (p.Gln503Lys)

Gene: TSC2 (TSC complex subunit 2; plus strand). Cytogenetic location: 16p13.3.
Variant type: single nucleotide variant.
Coding change: c.1507C>A on transcript NM_000548.5 (MANE Select); coding-DNA position 1507, C replaced by A.
Protein change: p.Gln503Lys; replaces glutamine 503 with lysine.
Molecular consequence: missense variant. On other transcripts: 5 prime UTR variant (1), non-coding transcript variant (5).
Genome position (GRCh38, 1-based): chr16:2,064,335, C>A. VCF-style: chr16-2064335-C-A. GRCh37 (hg19) VCF-style: chr16-2114336-C-A.
Other names: c.1507C>A, p.Gln503Lys (NM_001077183.3, NM_001114382.3, NM_001363528.2 and 6 more transcripts); c.1396C>A, p.Gln466Lys (NM_001318827.2, NM_001406670.1, NM_001406678.1); c.1360C>A, p.Gln454Lys (NM_001318829.2, NM_001406675.1, NM_001406676.1 and 1 more transcripts); c.907C>A, p.Gln303Lys (NM_001318831.2, NM_001406687.1, NM_001406688.1 and 6 more transcripts); c.1540C>A, p.Gln514Lys (NM_001318832.2); c.1597C>A, p.Gln533Lys (NM_001406667.1, NM_001406668.1); c.1495C>A, p.Gln499Lys (NM_001406671.1, NM_001406673.1); c.163C>A, p.Gln55Lys (NM_001406689.1, NM_001406690.1, NM_001406691.1 and 6 more transcripts); and 3 more; short protein forms Q303K, Q349K, Q454K, Q466K, Q484K, Q499K, Q503K, Q514K.
Identifiers: ClinVar variation 4802852 (VCV004802852.1).

ClinVar aggregate classification (germline): Uncertain significance (1 of 4 stars; one submission).

Conditions:
Tuberous sclerosis 2 (TSC2). Identifiers: Orphanet 805, MedGen C1860707, MONDO:0013199, OMIM 613254.

Submission:

Labcorp Genetics (formerly Invitae), Labcorp
Classification: Uncertain significance for Tuberous sclerosis 2. Last evaluated: 2025-02-11. Review status: criteria provided, single submitter. Criteria: Invitae Variant Classification Sherloc (09022015). Collection method: clinical testing. Allele origin: germline.
Comment: This sequence change replaces glutamine, which is neutral and polar, with lysine, which is basic and polar, at codon 503 of the TSC2 protein (p.Gln503Lys). This variant is not present in population databases (gnomAD no frequency). This variant has not been reported in the literature in individuals affected with TSC2-related conditions. Invitae Evidence Modeling of protein sequence and biophysical properties (such as structural, functional, and spatial information, amino acid conservation, physicochemical variation, residue mobility, and thermodynamic stability) indicates that this missense variant is not expected to disrupt TSC2 protein function with a negative predictive value of 95%. In summary, the available evidence is currently insufficient to determine the role of this variant in disease. Therefore, it has been classified as a Variant of Uncertain Significance.